The following is an entry in ClinVar:

NM_004393.6(DAG1):c.258G>C (p.Leu86Phe)

Gene: DAG1 (dystroglycan 1; plus strand). Cytogenetic location: 3p21.31.
Variant type: single nucleotide variant.
Coding change: c.258G>C on transcript NM_004393.6 (MANE Select); coding-DNA position 258, G replaced by C.
Protein change: p.Leu86Phe; replaces leucine 86 with phenylalanine.
Molecular consequence: missense variant.
Genome position (GRCh38, 1-based): chr3:49,510,792, G>C. VCF-style: chr3-49510792-G-C. GRCh37 (hg19) VCF-style: chr3-49548225-G-C.
Other names: p.Leu86Phe; c.258G>C, p.Leu86Phe (NM_001165928.4, NM_001177634.3, NM_001177635.3 and 9 more transcripts); short protein forms L86F.
Identifiers: ClinVar variation 195220 (VCV000195220.72), dbSNP rs145403829, ClinGen allele CA201626.

ClinVar aggregate classification (germline): Conflicting classifications of pathogenicity. Review status: criteria provided, conflicting classifications (1 of 4 stars). 14 submissions from 14 submitters: Uncertain significance (1); Benign (3); Likely benign (6). 4 of the submissions do not count toward it. Last evaluated 2026-09-01.

Conditions:
DAG1-related disorder. Also called: DAG1-related condition.
Muscular dystrophy-dystroglycanopathy (congenital with brain and eye anomalies), type A9. Also called: WALKER-WARBURG SYNDROME OR MUSCLE-EYE BRAIN DISEASE, DAG1-RELATED; Muscular dystrophy-dystroglycanopathy (congenital with brain and eye anomalies), type a, 9. Identifiers: Orphanet 370997, Orphanet 899, MedGen C4225291, MONDO:0014683, OMIM 616538.
Autosomal recessive limb-girdle muscular dystrophy type 2P. Also called: MUSCULAR DYSTROPHY-DYSTROGLYCANOPATHY, LIMB-GIRDLE, DAG1-RELATED; Limb-Girdle Muscular Dystrophy Type 9C; MUSCULAR DYSTROPHY, LIMB-GIRDLE, TYPE 2P. Identifiers: Orphanet 280333, MedGen C4511963, MONDO:0013440, OMIM 613818.

Allele frequency attached by ClinVar (database versions not stated): 1000 Genomes Project 30x 0.00109; 1000 Genomes Project 0.00120; ExAC 0.00289; gnomAD exomes 0.00289; gnomAD 0.00310 and 0.00314; ESP Exome Variant Server 0.00338; TOPMed 0.00341.

Submissions (14):

CeGaT Center for Human Genetics Tuebingen
Classification: Likely benign. Last evaluated: 2026-09-01. Review status: criteria provided, single submitter. Criteria: CeGaT Center For Human Genetics Tuebingen Variant Classification Criteria Version 2. Collection method: clinical testing. Allele origin: germline. Affected: yes. Observed: 25 variant alleles.
Comment: DAG1: BS2

Women's Health and Genetics/Laboratory Corporation of America, LabCorp
Classification: Likely benign. Last evaluated: 2026-03-24. Review status: criteria provided, single submitter. Criteria: LabCorp Variant Classification Summary - May 2015. Collection method: clinical testing. Allele origin: germline.
Comment: Variant summary: DAG1 c.258G>C (p.Leu86Phe) results in a non-conservative amino acid change in the encoded protein sequence. Algorithms developed to predict the effect of missense changes on protein structure and function all suggest that this variant is likely to be disruptive. The variant allele was found at a frequency of 0.0029 in 251042 control chromosomes. The observed variant frequency exceeds the estimated maximal expected allele frequency for disease-causing variants in DAG1. To our knowledge, no occurrence of c.258G>C in individuals affected with DAG1-related conditions has been reported. One publication reports experimental evidence evaluating an impact on protein function, showing altered cellular localization of the protein, however, does not allow convincing conclusions about the variant effect (e.g. Sciandra_2025). The following publication has been ascertained in the context of this evaluation (PMID: 40248434). ClinVar contains an entry for this variant (Variation ID: 195220). Based on the evidence outlined above, the variant was classified as likely benign.

Labcorp Genetics (formerly Invitae), Labcorp
Classification: Likely benign for Autosomal recessive limb-girdle muscular dystrophy type 2P; Muscular dystrophy-dystroglycanopathy (congenital with brain and eye anomalies), type A9. Last evaluated: 2026-02-04. Review status: criteria provided, single submitter. Criteria: Invitae Variant Classification Sherloc (09022015). Collection method: clinical testing. Allele origin: germline.

Mayo Clinic Laboratories, Mayo Clinic
Classification: Likely benign. Last evaluated: 2025-05-12. Review status: criteria provided, single submitter. Criteria: ACMG Guidelines, 2015. Collection method: clinical testing. Allele origin: germline. Observed: 3 variant alleles.
Comment: BS1, BP4

Athena Diagnostics
Classification: Benign. Last evaluated: 2025-02-05. Review status: criteria provided, single submitter. Criteria: Athena Diagnostics Criteria. Collection method: clinical testing. Allele origin: unknown.
Comment: The frequency of this variant in the general population is higher than would generally be expected for pathogenic variants in this gene. Computational tools predict this amino acid change may be benign.

Blueprint Genetics
Classification: Likely benign. Last evaluated: 2024-11-23. Review status: criteria provided, single submitter. Criteria: ACMG Guidelines, 2015. Collection method: clinical testing. Allele origin: germline.

Institute of Human Genetics, University of Leipzig Medical Center
Classification: Likely benign for Muscular dystrophy-dystroglycanopathy (congenital with brain and eye anomalies), type A9. Last evaluated: 2019-01-01. Review status: criteria provided, single submitter. Criteria: ACMG Guidelines, 2015. Collection method: clinical testing. Allele origin: unknown. Affected: yes.

GeneDx
Classification: Benign. Last evaluated: 2018-04-09. Review status: criteria provided, single submitter. Criteria: GeneDx Variant Classification Process June 2021. Collection method: clinical testing. Allele origin: germline. Affected: yes.

Genetic Services Laboratory, University of Chicago
Classification: Uncertain significance. Last evaluated: 2015-05-26. Review status: criteria provided, single submitter. Criteria: ACMG Guidelines, 2015. Collection method: clinical testing. Allele origin: germline.

Eurofins Ntd Llc (ga)
Classification: Benign. Last evaluated: 2015-05-05. Review status: criteria provided, single submitter. Criteria: EGL Classification Definitions 2015. Collection method: clinical testing. Allele origin: germline. Observed: 5 variant alleles, 5 heterozygotes.

PreventionGenetics, part of Exact Sciences
Classification: Likely benign for DAG1-related condition. Last evaluated: 2019-06-18. Review status: no assertion criteria provided. Collection method: clinical testing. Allele origin: germline. Not counted in ClinVar's aggregate classification.
Comment: This variant is classified as likely benign based on ACMG/AMP sequence variant interpretation guidelines (Richards et al. 2015 PMID: 25741868, with internal and published modifications).

Clinical Genetics DNA and cytogenetics Diagnostics Lab, Erasmus MC, Erasmus Medical Center
Classification: Likely benign. Review status: no assertion criteria provided. Collection method: clinical testing. Allele origin: germline. Affected: yes. Study: VKGL Data-share Consensus. Not counted in ClinVar's aggregate classification.

Genome Diagnostics Laboratory, University Medical Center Utrecht
Classification: Likely benign. Review status: no assertion criteria provided. Collection method: clinical testing. Allele origin: germline. Affected: yes. Study: VKGL Data-share Consensus. Not counted in ClinVar's aggregate classification.

Laboratory of Diagnostic Genome Analysis, Leiden University Medical Center (LUMC)
Classification: Likely benign. Review status: no assertion criteria provided. Collection method: clinical testing. Allele origin: germline. Affected: yes. Study: VKGL Data-share Consensus. Not counted in ClinVar's aggregate classification.

Literature cited by the submitters: PubMed 40248434 (cited by Women's Health and Genetics/Laboratory Corporation of America, LabCorp and Mayo Clinic Laboratories, Mayo Clinic); PubMed 29221435 (cited by Mayo Clinic Laboratories, Mayo Clinic); PubMed 30838779 (cited by Mayo Clinic Laboratories, Mayo Clinic and Athena Diagnostics); PubMed 29970176 (cited by Athena Diagnostics).